The following is an entry in ClinVar:

ClinVar aggregate classification (germline): Uncertain significance. Review status: criteria provided, multiple submitters, no conflicts (2 of 4 stars). 3 submissions from 3 submitters: Uncertain significance (3). Last evaluated 2025-12-09.

Conditions:
Inborn genetic diseases. Identifiers: MedGen C0950123, MeSH D030342.
SERPINI1-related disorder. Also called: SERPINI1-related condition.
Familial encephalopathy with neuroserpin inclusion bodies. Also called: ENCEPHALOPATHY, FAMILIAL, WITH COLLINS BODIES. Identifiers: Orphanet 85110, MedGen C1858680, MONDO:0011412, OMIM 604218.

Allele frequency attached by ClinVar (database versions not stated): gnomAD exomes below 0.00001; TOPMed below 0.00001; ExAC 0.00001.
gnomAD v4.1: 4 of 1,613,858 alleles (0.00025%); highest among the groups gnomAD compares: Non-Finnish European, 0.00034%; no homozygotes.

Submissions (3):

Labcorp Genetics (formerly Invitae), Labcorp
Classification: Uncertain significance for Familial encephalopathy with neuroserpin inclusion bodies. Last evaluated: 2025-12-09. Review status: criteria provided, single submitter. Criteria: Invitae Variant Classification Sherloc (09022015). Collection method: clinical testing. Allele origin: germline.
Comment: This sequence change replaces lysine, which is basic and polar, with glutamine, which is neutral and polar, at codon 191 of the SERPINI1 protein (p.Lys191Gln). This variant is present in population databases (rs755188629, gnomAD 0.002%). This variant has not been reported in the literature in individuals affected with SERPINI1-related conditions. ClinVar contains an entry for this variant (Variation ID: 2636126). Invitae Evidence Modeling of protein sequence and biophysical properties (such as structural, functional, and spatial information, amino acid conservation, physicochemical variation, residue mobility, and thermodynamic stability) indicates that this missense variant is not expected to disrupt SERPINI1 protein function with a negative predictive value of 80%. In summary, the available evidence is currently insufficient to determine the role of this variant in disease. Therefore, it has been classified as a Variant of Uncertain Significance.

Ambry Genetics
Classification: Uncertain significance for Inborn genetic diseases. Last evaluated: 2024-10-29. Review status: criteria provided, single submitter. Criteria: Ambry Variant Classification Scheme 2023. Collection method: clinical testing. Allele origin: germline.

PreventionGenetics, part of Exact Sciences
Classification: Uncertain significance for SERPINI1-related condition. Last evaluated: 2023-08-08. Review status: criteria provided, single submitter. Criteria: ACMG Guidelines, 2015. Collection method: clinical testing. Allele origin: germline.
Comment: The SERPINI1 c.571A>C variant is predicted to result in the amino acid substitution p.Lys191Gln. To our knowledge, this variant has not been reported in the literature. This variant is reported in 0.00088% of alleles in individuals of European (Non-Finnish) descent in gnomAD. At this time, the clinical significance of this variant is uncertain due to the absence of conclusive functional and genetic evidence.

NM_001122752.2(SERPINI1):c.571A>C (p.Lys191Gln)

Gene: SERPINI1 (serpin family I member 1; plus strand). Cytogenetic location: 3q26.1.
Variant type: single nucleotide variant.
Coding change: c.571A>C on transcript NM_001122752.2 (MANE Select); coding-DNA position 571, A replaced by C.
Protein change: p.Lys191Gln; replaces lysine 191 with glutamine.
Molecular consequence: missense variant.
Genome position (GRCh38, 1-based): chr3:167,792,679, A>C. VCF-style: chr3-167792679-A-C. GRCh37 (hg19) VCF-style: chr3-167510467-A-C.
Other names: c.571A>C, p.Lys191Gln (NM_005025.5); short protein forms K191Q.
Identifiers: ClinVar variation 2636126 (VCV002636126.3), dbSNP rs755188629, ClinGen allele CA2694837.